The following is an entry in ClinVar:

NC_000008.10:g.(?_61777555)_(61778492_?)dup

Gene: CHD7 (chromodomain helicase DNA binding protein 7; plus strand). Cytogenetic location: 8q12.2.
Variant type: Duplication.
Identifiers: ClinVar variation 3245491 (VCV003245491.1).

ClinVar aggregate classification (germline): Uncertain significance (1 of 4 stars; one submission).

Conditions:
CHARGE syndrome (CHARGE). Also called: Hittner Hirsch Kreh syndrome; CHARGE ASSOCIATION--COLOBOMA, HEART ANOMALY, CHOANAL ATRESIA, RETARDATION, GENITAL AND EAR ANOMALIES; Coloboma, heart anomaly, choanal atresia, retardation, genital and ear anomalies; CHARGE association; Hall-Hittner syndrome. Identifiers: Orphanet 138, MedGen C0265354, MONDO:0008965.

Submission:

Labcorp Genetics (formerly Invitae), Labcorp
Classification: Uncertain significance for CHARGE syndrome. Last evaluated: 2023-12-23. Review status: criteria provided, single submitter. Criteria: Invitae Variant Classification Sherloc (09022015). Collection method: clinical testing. Allele origin: unknown.
Comment: This variant results in a copy number gain of the genomic region encompassing exon(s) 38 of the CHD7 gene. This region includes the termination codon of the gene. This copy number gain extends beyond the assayed region for this gene and therefore may encompass additional genes. As the precise location of this event is unknown, it may be in tandem or it may be located elsewhere in the genome. This variant has not been reported in the literature in individuals affected with CHD7-related conditions. In summary, the available evidence is currently insufficient to determine the role of this variant in disease. Therefore, it has been classified as a Variant of Uncertain Significance.